The following is an entry in ClinVar:

ClinVar aggregate classification (germline): Uncertain significance (1 of 4 stars; one submission).

Submission:

Labcorp Genetics (formerly Invitae), Labcorp
Classification: Uncertain significance. Last evaluated: 2024-12-12. Review status: criteria provided, single submitter. Criteria: Invitae Variant Classification Sherloc (09022015). Collection method: clinical testing. Allele origin: germline.
Comment: This sequence change replaces leucine, which is neutral and non-polar, with histidine, which is basic and polar, at codon 1873 of the POLE protein (p.Leu1873His). This variant is not present in population databases (gnomAD no frequency). This variant has not been reported in the literature in individuals affected with POLE-related conditions. Invitae Evidence Modeling of protein sequence and biophysical properties (such as structural, functional, and spatial information, amino acid conservation, physicochemical variation, residue mobility, and thermodynamic stability) indicates that this missense variant is expected to disrupt POLE protein function with a positive predictive value of 80%. In summary, the available evidence is currently insufficient to determine the role of this variant in disease. Therefore, it has been classified as a Variant of Uncertain Significance.

NM_006231.4(POLE):c.5618T>A (p.Leu1873His)

Gene: POLE (DNA polymerase epsilon, catalytic subunit; minus strand). Cytogenetic location: 12q24.33.
Variant type: single nucleotide variant.
Coding change: c.5618T>A on transcript NM_006231.4 (MANE Select); coding-DNA position 5618, T replaced by A.
Protein change: p.Leu1873His; replaces leucine 1873 with histidine.
Molecular consequence: missense variant.
Genome position (GRCh38, 1-based): chr12:132,638,074, A>T on the plus strand (T>A on the coding strand, the complement: POLE is on the minus strand). VCF-style: chr12-132638074-A-T. GRCh37 (hg19) VCF-style: chr12-133214660-A-T.
Other names: short protein forms L1873H.
Identifiers: ClinVar variation 3667197 (VCV003667197.2).